The following is an entry in ClinVar:

ClinVar aggregate classification (germline): Likely benign. Review status: criteria provided, multiple submitters, no conflicts (2 of 4 stars). 2 submissions from 2 submitters: Likely benign (2). Last evaluated 2023-06-26.

Conditions:
Cardiomyopathy (CMYO). Also called: Cardiomyopathies. Identifiers: Orphanet 167848, MedGen C0878544, MONDO:0004994, HP:0001638. Inheritance: Various modes of inheritance.
Arrhythmogenic cardiomyopathy with wooly hair and keratoderma. Also called: PALMOPLANTAR KERATODERMA WITH LEFT VENTRICULAR CARDIOMYOPATHY AND WOOLLY HAIR; Dilated cardiomyopathy with woolly hair and keratoderma; Arrhythmogenic cardiomyopathy with woolly hair and keratoderma; Carvajal syndrome. Identifiers: Orphanet 65282, MedGen C1854063, MONDO:0011581, OMIM 605676.

Allele frequency attached by ClinVar (database versions not stated): gnomAD exomes below 0.00001.
gnomAD v4.1: 4 of 1,614,156 alleles (0.00025%); highest among the groups gnomAD compares: East Asian, 0.0022%; no homozygotes.

Submissions (2):

All of Us Research Program, National Institutes of Health
Classification: Likely benign for Arrhythmogenic cardiomyopathy with wooly hair and keratoderma. Last evaluated: 2023-06-26. Review status: criteria provided, single submitter. Criteria: ACMG Guidelines, 2015. Collection method: clinical testing. Allele origin: germline. Inheritance: Autosomal dominant inheritance. Observed: 1 variant allele, 1 heterozygote.
Comment: This study involves interpretation of variants in research participants for the purpose of population health screening. Participant phenotype was not available at the time of variant classification. Additional details can be found in publication PMID: 35346344, PMCID: PMC8962531

Color Diagnostics, LLC DBA Color Health
Classification: Likely benign for Cardiomyopathy. Last evaluated: 2022-01-05. Review status: criteria provided, single submitter. Criteria: ACMG Guidelines, 2015. Collection method: clinical testing. Allele origin: germline.

NM_004415.4(DSP):c.6099G>A (p.Glu2033=)

Gene: DSP (desmoplakin; plus strand). Cytogenetic location: 6p24.3.
Variant type: single nucleotide variant.
Coding change: c.6099G>A on transcript NM_004415.4 (MANE Select); coding-DNA position 6099, G replaced by A.
Protein change: p.Glu2033=; no amino-acid change (glutamic acid 2033 retained).
Molecular consequence: synonymous variant.
Genome position (GRCh38, 1-based): chr6:7,583,361, G>A. VCF-style: chr6-7583361-G-A. GRCh37 (hg19) VCF-style: chr6-7583594-G-A.
Other names: c.4302G>A, p.Glu1434= (NM_001008844.3); c.4770G>A, p.Glu1590= (NM_001319034.2).
Identifiers: ClinVar variation 2775336 (VCV002775336.3), dbSNP rs2533939289, ClinGen allele CA448715757.